The following is an entry in ClinVar:

ClinVar aggregate classification (germline): Pathogenic. Review status: criteria provided, multiple submitters, no conflicts (2 of 4 stars). 2 submissions from 2 submitters: Pathogenic (2). Last evaluated 2024-01-18.

Conditions:
Familial cancer of breast. Also called: Hereditary breast cancer; hereditary breast carcinoma; BREAST CANCER, FAMILIAL. Identifiers: Orphanet 227535, MedGen C0346153, MONDO:0016419, OMIM 114480. Disease mechanism: loss of function.
Ataxia-telangiectasia syndrome (AT). Also called: Ataxia telangiectasia (A-T); LOUIS-BAR SYNDROME; Cerebello-oculocutaneous telangiectasia; Immunodeficiency with ataxia telangiectasia; Ataxia-telangiectasia, complementation group D; AT, COMPLEMENTATION GROUP C. Identifiers: Orphanet 100, MedGen C0004135, MONDO:0008840, OMIM 208900.

Submissions (2):

Myriad Genetics, Inc.
Classification: Pathogenic for Familial cancer of breast. Last evaluated: 2024-01-18. Review status: criteria provided, single submitter. Criteria: Myriad Autosomal Dominant, Autosomal Recessive and X-Linked Classification Criteria (2023). Collection method: clinical testing. Allele origin: unknown.
Comment: This variant is considered pathogenic. This variant creates a termination codon and is predicted to result in premature protein truncation.

Labcorp Genetics (formerly Invitae), Labcorp
Classification: Pathogenic for Ataxia-telangiectasia syndrome. Last evaluated: 2016-11-22. Review status: criteria provided, single submitter. Criteria: Invitae Variant Classification Sherloc (09022015). Collection method: clinical testing. Allele origin: germline.
Comment: For these reasons, this variant has been classified as Pathogenic. While this particular variant has not been reported in the literature, loss-of-function variants in ATM are known to be pathogenic (PMID: 10817650, 19781682). This sequence change deletes 3 nucleotides and inserts 2 nucleotides into exon 18 of the ATM mRNA (c.2654_2656delTAGinsAA), causing a premature translational stop signal at codon 885 (p.Leu885*). It is expected to result in an absent or disrupted protein product.

Literature cited by the submitters: PubMed 10817650 (cited by Labcorp Genetics (formerly Invitae), Labcorp); PubMed 19781682 (cited by Labcorp Genetics (formerly Invitae), Labcorp).

NM_000051.4(ATM):c.2654_2656delinsAA (p.Leu885_Ala886delinsTer)

Gene: ATM (ATM serine/threonine kinase; plus strand). Cytogenetic location: 11q22.3.
Variant type: Indel.
Coding change: c.2654_2656delinsAA on transcript NM_000051.4 (MANE Select); coding-DNA positions 2654 to 2656, TAG replaced by AA.
Protein change: p.Leu885_Ala886delinsTer.
Molecular consequence: nonsense.
Genome position (GRCh38, 1-based): chr11:108,268,425-108,268,427, TAG replaced by AA. VCF-style: chr11-108268425-TAG-AA. GRCh37 (hg19) VCF-style: chr11-108139152-TAG-AA.
Other names: c.2654_2656delTAGinsAA (NM_000051.3); c.2654_2656delinsAA, p.Leu885_Ala886delinsTer (NM_001351834.2).
Identifiers: ClinVar variation 407685 (VCV000407685.6), dbSNP rs1060501679, ClinGen allele CA16613374.